The following is an entry in ClinVar:

NM_030665.4(RAI1):c.1038C>T (p.Pro346=)

Gene: RAI1 (retinoic acid induced 1; plus strand). Cytogenetic location: 17p11.2.
Variant type: single nucleotide variant.
Coding change: c.1038C>T on transcript NM_030665.4 (MANE Select); coding-DNA position 1038, C replaced by T.
Protein change: p.Pro346=; no amino-acid change (proline 346 retained).
Molecular consequence: synonymous variant.
Genome position (GRCh38, 1-based): chr17:17,793,986, C>T. VCF-style: chr17-17793986-C-T. GRCh37 (hg19) VCF-style: chr17-17697300-C-T.
Identifiers: ClinVar variation 1550498 (VCV001550498.22), dbSNP rs149548767, ClinGen allele CA8418256.
Genomic context (GRCh38, chr17:17,793,986, plus strand): 5'-AGCCGTCCGGACCCCAGAGCAGTACTACCAGACCTTCAGCCCCAGCTCCAGCCACTCACC[C>T]GCCCGCTCCGTGGGCCGCTCACCTTCCTACAGTTCCACACCGTCGCCGCTGATGCCAAAC-3'
Protein context (NP_109590.3, residues 336-356): QTFSPSSSHS[Pro346=]ARSVGRSPSY

ClinVar aggregate classification (germline): Likely benign. Review status: criteria provided, multiple submitters, no conflicts (2 of 4 stars). 2 submissions from 2 submitters: Likely benign (2). Last evaluated 2025-12-04.

Allele frequency attached by ClinVar (database versions not stated): gnomAD exomes 0.00001 and 0.00003; ExAC 0.00003; gnomAD 0.00005 and 0.00006; TOPMed 0.00007; ESP Exome Variant Server 0.00023.
gnomAD v4.1: 22 of 1,613,882 alleles (0.0014%); highest among the groups gnomAD compares: African/African-American, 0.012%; no homozygotes.

Submissions (2):

Labcorp Genetics (formerly Invitae), Labcorp
Classification: Likely benign. Last evaluated: 2025-12-04. Review status: criteria provided, single submitter. Criteria: Invitae Variant Classification Sherloc (09022015). Collection method: clinical testing. Allele origin: germline.

CeGaT Center for Human Genetics Tuebingen
Classification: Likely benign. Last evaluated: 2024-11-01. Review status: criteria provided, single submitter. Criteria: CeGaT Center For Human Genetics Tuebingen Variant Classification Criteria Version 2. Collection method: clinical testing. Allele origin: germline. Affected: yes. Observed: 1 variant allele.
Comment: RAI1: BP4, BP7